The following is an entry in ClinVar:

NM_024408.4(NOTCH2):c.4187C>G (p.Pro1396Arg)

Gene: NOTCH2 (notch receptor 2; minus strand). Cytogenetic location: 1p12.
Variant type: single nucleotide variant.
Coding change: c.4187C>G on transcript NM_024408.4 (MANE Select); coding-DNA position 4187, C replaced by G.
Protein change: p.Pro1396Arg; replaces proline 1396 with arginine.
Molecular consequence: missense variant.
Genome position (GRCh38, 1-based): chr1:119,925,629, G>C on the plus strand (C>G on the coding strand, the complement: NOTCH2 is on the minus strand). VCF-style: chr1-119925629-G-C. GRCh37 (hg19) VCF-style: chr1-120468252-G-C.
Other names: short protein forms P1396R.
Identifiers: ClinVar variation 1718796 (VCV001718796.6), dbSNP rs2526148504, ClinGen allele CA341890496.
Genomic context (GRCh38, chr1:119,925,629, plus strand): 5'-GCCGTGTAGAGTTCACAGCGGCTACCCGAGAATGGTGGGGCACACTGGCAGGAGTAATAA[G>C]GAGGCTGGCGCTGAGGGTGGCAGCTGCCCCCGTGCTGGCAGGGGCTACTGGCACAGCCTG-3'
Protein context (NP_077719.2, residues 1386-1406): GGSCHPQRQP[Pro1396Arg]YYSCQCAPPF

ClinVar aggregate classification (germline): Uncertain significance (1 of 4 stars; one submission).

Conditions:
Hajdu-Cheney syndrome (HJCYS). Also called: Acroosteolysis dominant type; ACROOSTEOLYSIS WITH OSTEOPOROSIS AND CHANGES IN SKULL AND MANDIBLE; SERPENTINE FIBULA-POLYCYSTIC KIDNEY SYNDROME. Identifiers: Orphanet 955, MedGen C0917715, MONDO:0007057, OMIM 102500.

Submission:

Labcorp Genetics (formerly Invitae), Labcorp
Classification: Uncertain significance for Hajdu-Cheney syndrome. Last evaluated: 2022-09-03. Review status: criteria provided, single submitter. Criteria: Invitae Variant Classification Sherloc (09022015). Collection method: clinical testing. Allele origin: germline.
Comment: Advanced modeling of protein sequence and biophysical properties (such as structural, functional, and spatial information, amino acid conservation, physicochemical variation, residue mobility, and thermodynamic stability) performed at Invitae indicates that this missense variant is not expected to disrupt NOTCH2 protein function. This variant has not been reported in the literature in individuals affected with NOTCH2-related conditions. This variant is not present in population databases (gnomAD no frequency). This sequence change replaces proline, which is neutral and non-polar, with arginine, which is basic and polar, at codon 1396 of the NOTCH2 protein (p.Pro1396Arg). In summary, the available evidence is currently insufficient to determine the role of this variant in disease. Therefore, it has been classified as a Variant of Uncertain Significance.